The following is an entry in ClinVar:

NM_206933.4(USH2A):c.9298G>T (p.Gly3100Ter)

Gene: USH2A (usherin; minus strand). Cytogenetic location: 1q41.
Variant type: single nucleotide variant.
Coding change: c.9298G>T on transcript NM_206933.4 (MANE Select); coding-DNA position 9298, G replaced by T.
Protein change: p.Gly3100Ter; replaces glycine 3100 with a stop codon.
Molecular consequence: nonsense.
Genome position (GRCh38, 1-based): chr1:215,838,064, C>A on the plus strand (G>T on the coding strand, the complement: USH2A is on the minus strand). VCF-style: chr1-215838064-C-A. GRCh37 (hg19) VCF-style: chr1-216011406-C-A.
Other names: short protein forms G3100*.
Identifiers: ClinVar variation 2032743 (VCV002032743.4), dbSNP rs2464586191, ClinGen allele CA344835401.

ClinVar aggregate classification (germline): Pathogenic (1 of 4 stars; one submission).

Submission:

Labcorp Genetics (formerly Invitae), Labcorp
Classification: Pathogenic. Last evaluated: 2022-10-21. Review status: criteria provided, single submitter. Criteria: Invitae Variant Classification Sherloc (09022015). Collection method: clinical testing. Allele origin: germline.
Comment: For these reasons, this variant has been classified as Pathogenic. This variant has not been reported in the literature in individuals affected with USH2A-related conditions. This variant is not present in population databases (gnomAD no frequency). This sequence change creates a premature translational stop signal (p.Gly3100*) in the USH2A gene. It is expected to result in an absent or disrupted protein product. Loss-of-function variants in USH2A are known to be pathogenic (PMID: 10729113, 10909849, 20507924, 25649381).

Literature cited by the submitters: PubMed 10729113; PubMed 10909849; PubMed 20507924; PubMed 25649381.